The following is an entry in ClinVar:

ClinVar aggregate classification (germline): Uncertain significance. Review status: criteria provided, multiple submitters, no conflicts (2 of 4 stars). 2 submissions from 2 submitters: Uncertain significance (2). Last evaluated 2022-08-15.

Conditions:
Inborn genetic diseases. Identifiers: MedGen C0950123, MeSH D030342.

Allele frequency attached by ClinVar (database versions not stated): TOPMed 0.00002; ExAC 0.00006; gnomAD exomes 0.00010.
gnomAD v4.1: 27 of 1,611,534 alleles (0.0017%); highest among the groups gnomAD compares: Admixed American, 0.045%; no homozygotes.

Submissions (2):

Labcorp Genetics (formerly Invitae), Labcorp
Classification: Uncertain significance. Last evaluated: 2022-08-15. Review status: criteria provided, single submitter. Criteria: Invitae Variant Classification Sherloc (09022015). Collection method: clinical testing. Allele origin: germline.
Comment: This sequence change replaces glutamic acid, which is acidic and polar, with aspartic acid, which is acidic and polar, at codon 4478 of the PCLO protein (p.Glu4478Asp). This variant is present in population databases (rs757013109, gnomAD 0.07%). This variant has not been reported in the literature in individuals affected with PCLO-related conditions. ClinVar contains an entry for this variant (Variation ID: 1473208). Algorithms developed to predict the effect of missense changes on protein structure and function are either unavailable or do not agree on the potential impact of this missense change (SIFT: "Tolerated"; PolyPhen-2: "Not Available"; Align-GVGD: "Class C0"). In summary, the available evidence is currently insufficient to determine the role of this variant in disease. Therefore, it has been classified as a Variant of Uncertain Significance.

Ambry Genetics
Classification: Uncertain significance for Inborn genetic diseases. Last evaluated: 2021-10-26. Review status: criteria provided, single submitter. Criteria: Ambry Variant Classification Scheme 2023. Collection method: clinical testing. Allele origin: germline.

NM_033026.6(PCLO):c.13434G>T (p.Glu4478Asp)

Gene: PCLO (piccolo presynaptic cytomatrix protein; minus strand). Cytogenetic location: 7q21.11.
Variant type: single nucleotide variant.
Coding change: c.13434G>T on transcript NM_033026.6 (MANE Select); coding-DNA position 13434, G replaced by T.
Protein change: p.Glu4478Asp; replaces glutamic acid 4478 with aspartic acid.
Molecular consequence: missense variant.
Genome position (GRCh38, 1-based): chr7:82,908,880, C>A on the plus strand (G>T on the coding strand, the complement: PCLO is on the minus strand). VCF-style: chr7-82908880-C-A. GRCh37 (hg19) VCF-style: chr7-82538196-C-A.
Other names: c.13434G>T, p.Glu4478Asp (NM_014510.3); c.13434G>T (NM_033026.5); short protein forms E4478D.
Identifiers: ClinVar variation 1473208 (VCV001473208.6), dbSNP rs757013109, ClinGen allele CA4319171.